The following is an entry in ClinVar:

NM_001365951.3(KIF1B):c.2557C>G (p.Arg853Gly)

Gene: KIF1B (kinesin family member 1B; plus strand). Cytogenetic location: 1p36.22.
Variant type: single nucleotide variant.
Coding change: c.2557C>G on transcript NM_001365951.3 (MANE Select); coding-DNA position 2557, C replaced by G.
Protein change: p.Arg853Gly; replaces arginine 853 with glycine.
Molecular consequence: missense variant.
Genome position (GRCh38, 1-based): chr1:10,324,777, C>G. VCF-style: chr1-10324777-C-G. GRCh37 (hg19) VCF-style: chr1-10384835-C-G.
Other names: c.2557C>G, p.Arg853Gly (NM_001365952.1); c.2419C>G, p.Arg807Gly (NM_015074.3); short protein forms R807G, R853G.
Identifiers: ClinVar variation 3534085 (VCV003534085.1).

ClinVar aggregate classification (germline): Uncertain significance (1 of 4 stars; one submission).

Submission:

Ambry Genetics
Classification: Uncertain significance. Last evaluated: 2024-11-15. Review status: criteria provided, single submitter. Criteria: Ambry Variant Classification Scheme 2023. Collection method: clinical testing. Allele origin: germline.
Comment: The p.R807G variant (also known as c.2419C>G), located in coding exon 23 of the KIF1B gene, results from a C to G substitution at nucleotide position 2419. The arginine at codon 807 is replaced by glycine, an amino acid with dissimilar properties. This amino acid position is conserved. In addition, this alteration is predicted to be deleterious by in silico analysis. Based on the available evidence, the clinical significance of this variant remains unclear.